The following is an entry in ClinVar:

NM_001365999.1(SZT2):c.2241C>A (p.Asp747Glu)

Gene: SZT2 (SZT2 subunit of KICSTOR complex; plus strand). Cytogenetic location: 1p34.2.
Variant type: single nucleotide variant.
Coding change: c.2241C>A on transcript NM_001365999.1 (MANE Select); coding-DNA position 2241, C replaced by A.
Protein change: p.Asp747Glu; replaces aspartic acid 747 with glutamic acid.
Molecular consequence: missense variant.
Genome position (GRCh38, 1-based): chr1:43,423,302, C>A. VCF-style: chr1-43423302-C-A. GRCh37 (hg19) VCF-style: chr1-43888973-C-A.
Other names: c.2241C>A, p.Asp747Glu (NM_015284.4); short protein forms D747E.
Identifiers: ClinVar variation 2080424 (VCV002080424.4), dbSNP rs2545809371, ClinGen allele CA340011459.

ClinVar aggregate classification (germline): Uncertain significance (1 of 4 stars; one submission).

gnomAD v4.1: 2 of 1,541,392 alleles (0.00013%); highest among the groups gnomAD compares: Middle Eastern, 0.018%; no homozygotes.

Submission:

Labcorp Genetics (formerly Invitae), Labcorp
Classification: Uncertain significance. Last evaluated: 2022-08-15. Review status: criteria provided, single submitter. Criteria: Invitae Variant Classification Sherloc (09022015). Collection method: clinical testing. Allele origin: germline.
Comment: This sequence change replaces aspartic acid, which is acidic and polar, with glutamic acid, which is acidic and polar, at codon 747 of the SZT2 protein (p.Asp747Glu). This variant is not present in population databases (gnomAD no frequency). This variant has not been reported in the literature in individuals affected with SZT2-related conditions. Algorithms developed to predict the effect of missense changes on protein structure and function (SIFT, PolyPhen-2, Align-GVGD) all suggest that this variant is likely to be tolerated. In summary, the available evidence is currently insufficient to determine the role of this variant in disease. Therefore, it has been classified as a Variant of Uncertain Significance.